The following is an entry in ClinVar:

NM_007347.5(AP4E1):c.1925C>T (p.Pro642Leu)

Gene: AP4E1 (adaptor related protein complex 4 subunit epsilon 1; plus strand). Cytogenetic location: 15q21.2.
Variant type: single nucleotide variant.
Coding change: c.1925C>T on transcript NM_007347.5 (MANE Select); coding-DNA position 1925, C replaced by T.
Protein change: p.Pro642Leu; replaces proline 642 with leucine.
Molecular consequence: missense variant.
Genome position (GRCh38, 1-based): chr15:50,968,336, C>T. VCF-style: chr15-50968336-C-T. GRCh37 (hg19) VCF-style: chr15-51260533-C-T.
Other names: c.1700C>T, p.Pro567Leu (NM_001252127.2); short protein forms P567L, P642L.
Identifiers: ClinVar variation 4526991 (VCV004526991.2).

ClinVar aggregate classification (germline): Uncertain significance. Review status: criteria provided, multiple submitters, no conflicts (2 of 4 stars). 2 submissions from 2 submitters: Uncertain significance (2). Last evaluated 2025-04-19.

Conditions:
Spastic paraplegia. Identifiers: MedGen C0037772, HP:0001258.

gnomAD v4.1: 82 of 1,613,484 alleles (0.0051%); highest among the groups gnomAD compares: South Asian, 0.087%; 1 homozygote.

Submissions (2):

GeneDx
Classification: Uncertain significance. Last evaluated: 2025-04-19. Review status: criteria provided, single submitter. Criteria: GeneDx Variant Classification Process June 2021. Collection method: clinical testing. Allele origin: germline. Affected: yes.
Comment: Previously reported as a single heterozygous variant in a proband with pure HSP phenotype; a variant in another gene associated with this phenotype was also observed. (PMID: 35499206); In silico analysis supports that this missense variant has a deleterious effect on protein structure/function; This variant is associated with the following publications: (PMID: 26544806, 35499206)

Labcorp Genetics (formerly Invitae), Labcorp
Classification: Uncertain significance for Spastic paraplegia. Last evaluated: 2025-04-02. Review status: criteria provided, single submitter. Criteria: Invitae Variant Classification Sherloc (09022015). Collection method: clinical testing. Allele origin: germline.
Comment: This sequence change replaces proline, which is neutral and non-polar, with leucine, which is neutral and non-polar, at codon 642 of the AP4E1 protein (p.Pro642Leu). This variant is present in population databases (rs549966445, gnomAD 0.08%). This missense change has been observed in individual(s) with hereditary spastic paraplegia (PMID: 35499206). An algorithm developed to predict the effect of missense changes on protein structure and function (PolyPhen-2) suggests that this variant is likely to be disruptive. In summary, the available evidence is currently insufficient to determine the role of this variant in disease. Therefore, it has been classified as a Variant of Uncertain Significance.

Literature cited by the submitters: PubMed 35499206 (cited by Labcorp Genetics (formerly Invitae), Labcorp).